The following is an entry in ClinVar:

ClinVar aggregate classification (germline): Uncertain significance (1 of 4 stars; one submission).

Submission:

Women's Health and Genetics/Laboratory Corporation of America, LabCorp
Classification: Uncertain significance. Last evaluated: 2025-11-05. Review status: criteria provided, single submitter. Criteria: LabCorp Variant Classification Summary - May 2015. Collection method: clinical testing. Allele origin: germline.
Comment: Variant summary: VRK1 c.3G>A (p.Met1Ile) alters the initiation codon and is predicted to result either in absence of the protein or truncation of the encoded protein due to translation initiation at a downstream codon. The variant was absent in 250922 control chromosomes. The available data on variant occurrences in the general population are insufficient to allow any conclusion about variant significance. c.3G>A has been observed in an unknown state with another VUS in at least 1 individual(s) affected with clinical features of Pontocerebellar Hypoplasia, Type 1A (example, Link_2019). These data do not allow any conclusion about variant significance. To our knowledge, no experimental evidence demonstrating an impact on protein function has been reported. The following publication has been ascertained in the context of this evaluation (PMID: 31735666). No submitters have cited clinical-significance assessments for this variant to ClinVar. Based on the evidence outlined above, the variant was classified as uncertain significance.

Literature cited by the submitters: PubMed 31735666.

NM_003384.3(VRK1):c.3G>A (p.Met1Ile)

Gene: VRK1 (VRK serine/threonine kinase 1; plus strand). Cytogenetic location: 14q32.2.
Variant type: single nucleotide variant.
Coding change: c.3G>A on transcript NM_003384.3 (MANE Select); coding-DNA position 3, G replaced by A.
Protein change: p.Met1Ile; changes the start codon (methionine 1).
Molecular consequence: missense variant, initiator codon variant.
Genome position (GRCh38, 1-based): chr14:96,833,474, G>A. VCF-style: chr14-96833474-G-A. GRCh37 (hg19) VCF-style: chr14-97299811-G-A.
Other names: c.3G>A, p.Met1Ile (NM_001411051.1, NM_001411053.1); short protein forms M1I.
Identifiers: ClinVar variation 4537048 (VCV004537048.1).
Genomic context (GRCh38, chr14:96,833,474, plus strand): 5'-TTTAAACACTTCTAAGATTAGAATTCTGACCATTTCTTTGTTTTATGTTATAGTGAAAAT[G>A]CCTCGTGTAAAAGCAGCTCAAGCTGGAAGACAGAGCTCTGCAAAGAGACATCTTGCAGAA-3'
Protein context (NP_003375.1, residues 1-11): [Met1Ile]PRVKAAQAGR